The following is an entry in ClinVar:

ClinVar aggregate classification (germline): Conflicting classifications of pathogenicity. Review status: criteria provided, conflicting classifications (1 of 4 stars). 3 submissions from 3 submitters: Uncertain significance (2); Likely benign (1). Last evaluated 2024-10-29.

Conditions:
Inborn genetic diseases. Identifiers: MedGen C0950123, MeSH D030342.
Type 2 diabetes mellitus. Also called: Type II diabetes mellitus. Identifiers: MedGen C0011860, MeSH D003924, MONDO:0005148, OMIM 125853, HP:0005978.

Submissions (3):

Blueprint Genetics
Classification: Likely benign. Last evaluated: 2024-10-29. Review status: criteria provided, single submitter. Criteria: ACMG Guidelines, 2015. Collection method: clinical testing. Allele origin: germline.

Ambry Genetics
Classification: Uncertain significance for Inborn genetic diseases. Last evaluated: 2023-03-31. Review status: criteria provided, single submitter. Criteria: Ambry Variant Classification Scheme 2023. Collection method: clinical testing. Allele origin: germline.

Seattle Children's Hospital Molecular Genetics Laboratory, Seattle Children's Hospital
Classification: Uncertain significance for Type 2 diabetes mellitus. Last evaluated: 2019-09-05. Review status: criteria provided, single submitter. Criteria: ACMG Guidelines, 2015. Collection method: clinical testing. Allele origin: unknown. Inheritance: Autosomal dominant inheritance. Affected: yes.
Comment: This variant has not been observed previously in our laboratory and is absent from both clinical and general population databases. This is a moderately conserved nucleotide position across species. Most computational tools predict this change is damaging.

NM_001807.6(CEL):c.383C>T (p.Ala128Val)

Gene: CEL (carboxyl ester lipase; plus strand). Cytogenetic location: 9q34.13.
Variant type: single nucleotide variant.
Coding change: c.383C>T on transcript NM_001807.6 (MANE Select); coding-DNA position 383, C replaced by T.
Protein change: p.Ala128Val; replaces alanine 128 with valine.
Molecular consequence: missense variant.
Genome position (GRCh38, 1-based): chr9:133,065,082, C>T. VCF-style: chr9-133065082-C-T. GRCh37 (hg19) VCF-style: chr9-135940469-C-T.
Other names: c.392C>T (NM_001807.3); short protein forms A128V.
Identifiers: ClinVar variation 1344530 (VCV001344530.4), dbSNP rs960508990, ClinGen allele CA375391624.